The following is an entry in ClinVar:

ClinVar aggregate classification (germline): Pathogenic (1 of 4 stars; one submission).

Conditions:
Carney complex, type 1 (CNC1). Also called: CARNEY COMPLEX, TYPE I; CARNEY MYXOMA-ENDOCRINE COMPLEX. Identifiers: Orphanet 1359, MedGen C2607929, MONDO:0008057, OMIM 160980.

Submission:

Labcorp Genetics (formerly Invitae), Labcorp
Classification: Pathogenic for Carney complex, type 1. Last evaluated: 2024-08-04. Review status: criteria provided, single submitter. Criteria: Invitae Variant Classification Sherloc (09022015). Collection method: clinical testing. Allele origin: germline.
Comment: This sequence change creates a premature translational stop signal (p.Tyr323*) in the PRKAR1A gene. While this is not anticipated to result in nonsense mediated decay, it is expected to disrupt the last 59 amino acid(s) of the PRKAR1A protein. This variant is not present in population databases (gnomAD no frequency). This variant has not been reported in the literature in individuals affected with PRKAR1A-related conditions. This variant disrupts a region of the PRKAR1A protein in which other variant(s) (p.Arg368*) have been determined to be pathogenic (PMID: 21651393, 22464250, 28804209). This suggests that this is a clinically significant region of the protein, and that variants that disrupt it are likely to be disease-causing. For these reasons, this variant has been classified as Pathogenic.

Literature cited by the submitters: PubMed 21651393; PubMed 22464250; PubMed 28804209.

NM_002734.5(PRKAR1A):c.969T>A (p.Tyr323Ter)

Gene: PRKAR1A (protein kinase cAMP-dependent type I regulatory subunit alpha; plus strand). Cytogenetic location: 17q24.2.
Variant type: single nucleotide variant.
Coding change: c.969T>A on transcript NM_002734.5 (MANE Select); coding-DNA position 969, T replaced by A.
Protein change: p.Tyr323Ter; replaces tyrosine 323 with a stop codon.
Molecular consequence: nonsense.
Genome position (GRCh38, 1-based): chr17:68,529,997, T>A. VCF-style: chr17-68529997-T-A. GRCh37 (hg19) VCF-style: chr17-66526138-T-A.
Other names: c.969T>A, p.Tyr323Ter (NM_001276289.2, NM_001276290.1, NM_001278433.2 and 4 more transcripts); short protein forms Y323*.
Identifiers: ClinVar variation 3661323 (VCV003661323.2).